The following is an entry in ClinVar:

NM_177965.4(CFAP418):c.240del (p.Ser81fs)

Gene: CFAP418 (cilia and flagella associated protein 418; minus strand). Cytogenetic location: 8q22.1.
Variant type: Deletion.
Coding change: c.240del on transcript NM_177965.4 (MANE Select); coding-DNA position 240, one base deleted (C; older notation c.240delC).
Protein change: p.Ser81fs; shifts the reading frame from serine 81.
Molecular consequence: frameshift variant.
Genome position (GRCh38, 1-based): chr8:95,263,690, G deleted on the plus strand (C on the coding strand, the reverse complement: CFAP418 is on the minus strand); the first of 3 consecutive G bases (chr8:95,263,690-95,263,692); deleting any one gives the same sequence. VCF-style (leftmost placement, unchanged base first): chr8-95263689-AG-A. GRCh37 (hg19) VCF-style: chr8-96275917-AG-A.
Other names: c.240del, p.Ser81fs (NM_001363260.1); short protein forms S81fs.
Identifiers: ClinVar variation 684431 (VCV000684431.2), dbSNP rs1587357327, ClinGen allele CA915948756.

ClinVar aggregate classification (germline): Likely pathogenic (1 of 4 stars; one submission).

Conditions:
Bardet-biedl syndrome 21. Identifiers: MedGen C4319932, MONDO:0044308, OMIM 617406.

Submission:

Department of Medical Genetics, Sanjay Gandhi Post Graduate Institute of Medical Sciences
Classification: Likely pathogenic for Bardet-biedl syndrome 21. Review status: criteria provided, single submitter. Criteria: ACMG Guidelines, 2015. Collection method: clinical testing. Allele origin: unknown. Inheritance: Autosomal recessive inheritance. Affected: yes. Observed: 1 compound heterozygote.
Comment: This variant g.10545del is found to be compound heterozygous with another variant g.5175C>T in C8orf37 gene. These variants are predicted to be disease causing by MutationTaster.